The following is an entry in ClinVar:

ClinVar aggregate classification (germline): Uncertain significance (1 of 4 stars; one submission).

Submission:

GeneDx
Classification: Uncertain significance. Last evaluated: 2025-03-05. Review status: criteria provided, single submitter. Criteria: GeneDx Variant Classification Process June 2021. Collection method: clinical testing. Allele origin: germline.
Comment: Has not been previously published as pathogenic or benign to our knowledge; Not observed at significant frequency in large population cohorts (gnomAD); In silico analysis supports that this missense variant has a deleterious effect on protein structure/function

NM_016604.4(KDM3B):c.4378C>T (p.Arg1460Trp)

Gene: KDM3B (lysine demethylase 3B; plus strand). Cytogenetic location: 5q31.2.
Variant type: single nucleotide variant.
Coding change: c.4378C>T on transcript NM_016604.4 (MANE Select); coding-DNA position 4378, C replaced by T.
Protein change: p.Arg1460Trp; replaces arginine 1460 with tryptophan.
Molecular consequence: missense variant.
Genome position (GRCh38, 1-based): chr5:138,425,549, C>T. VCF-style: chr5-138425549-C-T. GRCh37 (hg19) VCF-style: chr5-137761238-C-T.
Other names: short protein forms R1460W.
Identifiers: ClinVar variation 1698111 (VCV001698111.3), dbSNP rs1207933313, ClinGen allele CA361093070.